The following is an entry in ClinVar:

ClinVar aggregate classification (germline): Pathogenic. Review status: criteria provided, single submitter (1 of 4 stars). 2 submissions from 2 submitters: Pathogenic (1). 1 of the submissions does not count toward it. Last evaluated 2018-05-31.

Conditions:
Ehlers-Danlos syndrome, classic-like, 2. Identifiers: Orphanet 536532, MedGen C4693870, MONDO:0054813, OMIM 618000.

Allele frequency attached by ClinVar (database versions not stated): gnomAD exomes below 0.00001 and 0.00001; TOPMed below 0.00001.

Submissions (2):

Institute of Human Genetics, FAU Erlangen, Friedrich-Alexander-Universität Erlangen-Nürnberg
Classification: Pathogenic for Ehlers-Danlos syndrome, classic-like, 2. Last evaluated: 2018-05-31. Review status: criteria provided, single submitter. Criteria: ACMG Guidelines, 2015. Collection method: clinical testing. Allele origin: germline. Inheritance: Autosomal recessive inheritance. Affected: yes. Observed: 1 variant allele, 1 homozygote.
Comment: The homozygous c.917dup variant in exon 6 of AEBP1 gene was identified in two Greek siblings with an Ehlers-Danlos Syndrome associated connective tissue disorder. This variant is predicted to directly cause a premature termination codon (p.Tyr306*) and is only present in 2/229,558 alleles in gnomAD. Sanger sequencing of cDNA showed a predominant expression of the normal allele in the carrier mother. This indicates a nonsense-mediated decay of c.917dup allele, suggesting a null variant in the affected individuals.

OMIM
Classification: Pathogenic for EHLERS-DANLOS SYNDROME, CLASSIC-LIKE, 2. Last evaluated: 2022-03-08. Review status: no assertion criteria provided. Collection method: literature only. Allele origin: germline. Not counted in ClinVar's aggregate classification.

Literature cited by the submitters: PubMed 30548383 (cited by OMIM).

NM_001129.5(AEBP1):c.917dup (p.Tyr306Ter)

Gene: AEBP1 (AE binding protein 1; plus strand). Cytogenetic location: 7p13.
Variant type: Duplication.
Coding change: c.917dup on transcript NM_001129.5 (MANE Select); coding-DNA position 917, one base duplicated (A; older notation c.917dupA).
Protein change: p.Tyr306Ter; replaces tyrosine 306 with a stop codon.
Molecular consequence: nonsense.
Genome position (GRCh38, 1-based): chr7:44,108,061, A duplicated. VCF-style (leftmost placement, unchanged base first): chr7-44108060-T-TA. GRCh37 (hg19) VCF-style: chr7-44147659-T-TA.
Other names: short protein forms Y306*.
Identifiers: ClinVar variation 545699 (VCV000545699.4), dbSNP rs1443187318, ClinGen allele CA573787925.